The following is an entry in ClinVar:

NM_020937.4(FANCM):c.2654C>T (p.Thr885Ile)

Gene: FANCM (FA complementation group M; plus strand). Cytogenetic location: 14q21.2.
Variant type: single nucleotide variant.
Coding change: c.2654C>T on transcript NM_020937.4 (MANE Select); coding-DNA position 2654, C replaced by T.
Protein change: p.Thr885Ile; replaces threonine 885 with isoleucine.
Molecular consequence: missense variant.
Genome position (GRCh38, 1-based): chr14:45,175,408, C>T. VCF-style: chr14-45175408-C-T. GRCh37 (hg19) VCF-style: chr14-45644611-C-T.
Other names: c.2576C>T, p.Thr859Ile (NM_001308133.2); short protein forms T859I, T885I.
Identifiers: ClinVar variation 4254639 (VCV004254639.1).

ClinVar aggregate classification (germline): Uncertain significance (1 of 4 stars; one submission).

Conditions:
Inborn genetic diseases. Identifiers: MedGen C0950123, MeSH D030342.

Submission:

Ambry Genetics
Classification: Uncertain significance for Inborn genetic diseases. Last evaluated: 2025-08-02. Review status: criteria provided, single submitter. Criteria: Ambry Variant Classification Scheme 2023. Collection method: clinical testing. Allele origin: germline.
Comment: The p.T885I variant (also known as c.2654C>T), located in coding exon 14 of the FANCM gene, results from a C to T substitution at nucleotide position 2654. The threonine at codon 885 is replaced by isoleucine, an amino acid with similar properties. This amino acid position is conserved. In addition, this alteration is predicted to be tolerated by in silico analysis. Based on the available evidence, the clinical significance of this variant remains unclear.